The following is an entry in ClinVar:

ClinVar aggregate classification (germline): Uncertain significance (1 of 4 stars; one submission).

Submission:

Labcorp Genetics (formerly Invitae), Labcorp
Classification: Uncertain significance. Last evaluated: 2025-02-11. Review status: criteria provided, single submitter. Criteria: Invitae Variant Classification Sherloc (09022015). Collection method: clinical testing. Allele origin: germline.
Comment: This sequence change replaces leucine, which is neutral and non-polar, with phenylalanine, which is neutral and non-polar, at codon 268 of the MKL1 protein (p.Leu268Phe). This variant is not present in population databases (gnomAD no frequency). This variant has not been reported in the literature in individuals affected with MKL1-related conditions. An algorithm developed to predict the effect of missense changes on protein structure and function (PolyPhen-2) suggests that this variant is likely to be disruptive. In summary, the available evidence is currently insufficient to determine the role of this variant in disease. Therefore, it has been classified as a Variant of Uncertain Significance.

NM_020831.6(MRTFA):c.1102C>T (p.Leu368Phe)

Gene: MRTFA (myocardin related transcription factor A; minus strand). Cytogenetic location: 22q13.1.
Variant type: single nucleotide variant.
Coding change: c.1102C>T on transcript NM_020831.6 (MANE Select); coding-DNA position 1102, C replaced by T.
Protein change: p.Leu368Phe; replaces leucine 368 with phenylalanine.
Molecular consequence: missense variant.
Genome position (GRCh38, 1-based): chr22:40,420,926, G>A on the plus strand (C>T on the coding strand, the complement: MRTFA is on the minus strand). VCF-style: chr22-40420926-G-A. GRCh37 (hg19) VCF-style: chr22-40816930-G-A.
Other names: c.802C>T, p.Leu268Phe (NM_001282660.2); c.952C>T, p.Leu318Phe (NM_001282661.3); c.1102C>T, p.Leu368Phe (NM_001282662.3); c.907C>T, p.Leu303Phe (NM_001318139.2); short protein forms L268F, L303F, L368F, L318F.
Identifiers: ClinVar variation 4712848 (VCV004712848.1).